The following is an entry in ClinVar:

ClinVar aggregate classification (germline): Uncertain significance (1 of 4 stars; one submission).

Submission:

GeneDx
Classification: Uncertain significance. Last evaluated: 2024-04-12. Review status: criteria provided, single submitter. Criteria: GeneDx Variant Classification Process June 2021. Collection method: clinical testing. Allele origin: germline. Affected: yes.
Comment: Not observed at significant frequency in large population cohorts (gnomAD); In silico analysis supports that this missense variant has a deleterious effect on protein structure/function; Has not been previously published as pathogenic or benign to our knowledge

NM_002662.5(PLD1):c.845T>C (p.Phe282Ser)

Gene: PLD1 (phospholipase D1; minus strand). Cytogenetic location: 3q26.31.
Variant type: single nucleotide variant.
Coding change: c.845T>C on transcript NM_002662.5 (MANE Select); coding-DNA position 845, T replaced by C.
Protein change: p.Phe282Ser; replaces phenylalanine 282 with serine.
Molecular consequence: missense variant.
Genome position (GRCh38, 1-based): chr3:171,713,959, A>G on the plus strand (T>C on the coding strand, the complement: PLD1 is on the minus strand). VCF-style: chr3-171713959-A-G. GRCh37 (hg19) VCF-style: chr3-171431749-A-G.
Other names: c.845T>C, p.Phe282Ser (NM_001130081.3); short protein forms F282S.
Identifiers: ClinVar variation 3372251 (VCV003372251.1).